The following is an entry in ClinVar:

ClinVar aggregate classification (germline): Uncertain significance (1 of 4 stars; one submission).

Conditions:
Hereditary spastic paraplegia 63. Also called: Spastic paraplegia 63, autosomal recessive. Identifiers: Orphanet 401805, MedGen C3810295, MONDO:0014305, OMIM 615686.
Pontocerebellar hypoplasia type 9. Identifiers: Orphanet 369920, MedGen C4014354, MONDO:0014351, OMIM 615809.

Submission:

Labcorp Genetics (formerly Invitae), Labcorp
Classification: Uncertain significance for Pontocerebellar hypoplasia type 9; Hereditary spastic paraplegia 63. Last evaluated: 2022-06-19. Review status: criteria provided, single submitter. Criteria: Invitae Variant Classification Sherloc (09022015). Collection method: clinical testing. Allele origin: germline.
Comment: This sequence change replaces arginine, which is basic and polar, with histidine, which is basic and polar, at codon 799 of the AMPD2 protein (p.Arg799His). This variant is not present in population databases (gnomAD no frequency). In summary, the available evidence is currently insufficient to determine the role of this variant in disease. Therefore, it has been classified as a Variant of Uncertain Significance. Algorithms developed to predict the effect of missense changes on protein structure and function are either unavailable or do not agree on the potential impact of this missense change (SIFT: "Deleterious"; PolyPhen-2: "Probably Damaging"; Align-GVGD: "Class C0"). This variant has not been reported in the literature in individuals affected with AMPD2-related conditions.

NM_001368809.2(AMPD2):c.2234G>A (p.Arg745His)

Gene: AMPD2 (adenosine monophosphate deaminase 2; plus strand). Cytogenetic location: 1p13.3.
Variant type: single nucleotide variant.
Coding change: c.2234G>A on transcript NM_001368809.2 (MANE Select); coding-DNA position 2234, G replaced by A.
Protein change: p.Arg745His; replaces arginine 745 with histidine.
Molecular consequence: missense variant.
Genome position (GRCh38, 1-based): chr1:109,630,759, G>A. VCF-style: chr1-109630759-G-A. GRCh37 (hg19) VCF-style: chr1-110173381-G-A.
Other names: c.2396G>A, p.Arg799His (NM_001257360.2); c.2042G>A, p.Arg681His (NM_001257361.2); c.2171G>A, p.Arg724His (NM_001308170.1); c.2234G>A, p.Arg745His (NM_004037.9); c.2153G>A, p.Arg718His (NM_139156.4); short protein forms R724H, R681H, R718H, R799H, R745H.
Identifiers: ClinVar variation 2155909 (VCV002155909.4), dbSNP rs1651170896, ClinGen allele CA341563045.